The following is an entry in ClinVar:

ClinVar aggregate classification (germline): Uncertain significance (1 of 4 stars; one submission).

Allele frequency attached by ClinVar (database versions not stated): TOPMed below 0.00001.

Submission:

Ambry Genetics
Classification: Uncertain significance. Last evaluated: 2021-11-06. Review status: criteria provided, single submitter. Criteria: Ambry Variant Classification Scheme 2023. Collection method: clinical testing. Allele origin: germline.
Comment: The p.T1818I variant (also known as c.5453C>T), located in coding exon 5 of the ALPK2 gene, results from a C to T substitution at nucleotide position 5453. The threonine at codon 1818 is replaced by isoleucine, an amino acid with similar properties. This amino acid position is conserved. In addition, this alteration is predicted to be tolerated by in silico analysis. Since supporting evidence is limited at this time, the clinical significance of this alteration remains unclear.

NM_052947.4(ALPK2):c.5453C>T (p.Thr1818Ile)

Gene: ALPK2 (alpha kinase 2; minus strand). Cytogenetic location: 18q21.31.
Variant type: single nucleotide variant.
Coding change: c.5453C>T on transcript NM_052947.4 (MANE Select); coding-DNA position 5453, C replaced by T.
Protein change: p.Thr1818Ile; replaces threonine 1818 with isoleucine.
Molecular consequence: missense variant.
Genome position (GRCh38, 1-based): chr18:58,529,139, G>A on the plus strand (C>T on the coding strand, the complement: ALPK2 is on the minus strand). VCF-style: chr18-58529139-G-A. GRCh37 (hg19) VCF-style: chr18-56196371-G-A.
Other names: short protein forms T1818I.
Identifiers: ClinVar variation 1747625 (VCV001747625.2), dbSNP rs2051599074, ClinGen allele CA402553835.